The following is an entry in ClinVar:

ClinVar aggregate classification (germline): Conflicting classifications of pathogenicity. Review status: criteria provided, conflicting classifications (1 of 4 stars). 3 submissions from 3 submitters: Pathogenic (1); Uncertain significance (2). Last evaluated 2026-02-12.

Conditions:
Deficiency of UDPglucose-hexose-1-phosphate uridylyltransferase. Also called: GALACTOSE-1-PHOSPHATE URIDYLYLTRANSFERASE DEFICIENCY; Transferase Deficiency Galactosemia; GALACTOSEMIA I; GALT deficiency; Galactosemia, classic. Identifiers: Orphanet 352, Orphanet 79239, MedGen C0268151, MONDO:0009258, OMIM 230400.

Submissions (3):

Myriad Genetics, Inc.
Classification: Uncertain significance for Deficiency of UDPglucose-hexose-1-phosphate uridylyltransferase. Last evaluated: 2026-02-12. Review status: criteria provided, single submitter. Criteria: Myriad Autosomal Dominant, Autosomal Recessive and X-Linked Classification Criteria (2023). Collection method: clinical testing. Allele origin: unknown.
Comment: NM_000155.3(GALT):c.1049C>T(T350I) is a missense variant classified as a variant of uncertain significance in the context of galactosemia. T350I has been observed in cases with relevant disease (PMID: 40700042). Relevant functional assessments of this variant are not available in the literature. T350I has not been observed in referenced population frequency databases. In summary, there is insufficient evidence to classify NM_000155.3(GALT):c.1049C>T(T350I) as pathogenic or benign. Please note: this variant was assessed in the context of healthy population screening.

Labcorp Genetics (formerly Invitae), Labcorp
Classification: Pathogenic for Deficiency of UDPglucose-hexose-1-phosphate uridylyltransferase. Last evaluated: 2023-07-08. Review status: criteria provided, single submitter. Criteria: Invitae Variant Classification Sherloc (09022015). Collection method: clinical testing. Allele origin: germline.
Comment: This sequence change replaces threonine, which is neutral and polar, with isoleucine, which is neutral and non-polar, at codon 350 of the GALT protein (p.Thr350Ile). For these reasons, this variant has been classified as Pathogenic. This variant disrupts the p.Thr350 amino acid residue in GALT. Other variant(s) that disrupt this residue have been determined to be pathogenic (PMID: 8741038, 11152465). This suggests that this residue is clinically significant, and that variants that disrupt this residue are likely to be disease-causing. Advanced modeling of protein sequence and biophysical properties (such as structural, functional, and spatial information, amino acid conservation, physicochemical variation, residue mobility, and thermodynamic stability) performed at Invitae indicates that this missense variant is expected to disrupt GALT protein function. ClinVar contains an entry for this variant (Variation ID: 497522). This missense change has been observed in individual(s) with clinical features of galactosemia (Invitae). In at least one individual the data is consistent with being in trans (on the opposite chromosome) from a pathogenic variant. This variant is not present in population databases (gnomAD no frequency).

Eurofins Ntd Llc (ga)
Classification: Uncertain significance. Last evaluated: 2016-10-04. Review status: criteria provided, single submitter. Criteria: EGL Classification Definitions 2015. Collection method: clinical testing. Allele origin: germline. Observed: 1 variant allele, 1 heterozygote.

Literature cited by the submitters: PubMed 40700042 (cited by Myriad Genetics, Inc.); PubMed 8741038 (cited by Labcorp Genetics (formerly Invitae), Labcorp); PubMed 11152465 (cited by Labcorp Genetics (formerly Invitae), Labcorp).

NM_000155.4(GALT):c.1049C>T (p.Thr350Ile)

Gene: GALT (galactose-1-phosphate uridylyltransferase; plus strand). Cytogenetic location: 9p13.3.
Variant type: single nucleotide variant.
Coding change: c.1049C>T on transcript NM_000155.4 (MANE Select); coding-DNA position 1049, C replaced by T.
Protein change: p.Thr350Ile; replaces threonine 350 with isoleucine.
Molecular consequence: missense variant.
Genome position (GRCh38, 1-based): chr9:34,649,554, C>T. VCF-style: chr9-34649554-C-T. GRCh37 (hg19) VCF-style: chr9-34649551-C-T.
Other names: c.722C>T, p.Thr241Ile (NM_001258332.2); short protein forms T350I, T241I.
Identifiers: ClinVar variation 497522 (VCV000497522.13), dbSNP rs775317639, ClinGen allele CA373285315.